The following is an entry in ClinVar:

NM_001042681.2(RERE):c.2461T>C (p.Ser821Pro)

Gene: RERE (arginine-glutamic acid dipeptide repeats; minus strand). Cytogenetic location: 1p36.23.
Variant type: single nucleotide variant.
Coding change: c.2461T>C on transcript NM_001042681.2 (MANE Select); coding-DNA position 2461, T replaced by C.
Protein change: p.Ser821Pro; replaces serine 821 with proline.
Molecular consequence: missense variant.
Genome position (GRCh38, 1-based): chr1:8,361,046, A>G on the plus strand (T>C on the coding strand, the complement: RERE is on the minus strand). VCF-style: chr1-8361046-A-G. GRCh37 (hg19) VCF-style: chr1-8421106-A-G.
Other names: c.799T>C, p.Ser267Pro (NM_001042682.2); c.2461T>C, p.Ser821Pro (NM_012102.4); short protein forms S821P, S267P.
Identifiers: ClinVar variation 429260 (VCV000429260.13), dbSNP rs897627996, ClinGen allele CA17696017.

ClinVar aggregate classification (germline): Conflicting classifications of pathogenicity. Review status: criteria provided, conflicting classifications (1 of 4 stars). 3 submissions from 3 submitters: Uncertain significance (1); Likely benign (2). Last evaluated 2024-04-22.

Conditions:
Inborn genetic diseases. Identifiers: MedGen C0950123, MeSH D030342.

Allele frequency attached by ClinVar (database versions not stated): gnomAD 0.00001; gnomAD exomes 0.00004 and 0.00001.
gnomAD v4.1: 8 of 1,424,138 alleles (0.00056%); highest among the groups gnomAD compares: Middle Eastern, 0.019%; no homozygotes.

Submissions (3):

Labcorp Genetics (formerly Invitae), Labcorp
Classification: Likely benign. Last evaluated: 2024-04-22. Review status: criteria provided, single submitter. Criteria: Invitae Variant Classification Sherloc (09022015). Collection method: clinical testing. Allele origin: germline.

Ambry Genetics
Classification: Likely benign for Inborn genetic diseases. Last evaluated: 2021-11-29. Review status: criteria provided, single submitter. Criteria: Ambry Variant Classification Scheme 2023. Collection method: clinical testing. Allele origin: germline.

GeneDx
Classification: Uncertain significance. Last evaluated: 2017-05-03. Review status: criteria provided, single submitter. Criteria: GeneDx Variant Classification (06012015). Collection method: clinical testing. Allele origin: germline. Affected: yes.
Comment: The S821P variant in the RERE gene has not been reported previously as a pathogenic variant, nor as a benign variant, to our knowledge. Adequate data is not available in large population cohorts to assess the frequency of this variant in publicly available databases; however, this variant has not been detected in presumably healthy individuals tested at GeneDx. The S821P variant is a non-conservative amino acid substitution, which is likely to impact secondary protein structure as these residues differ in polarity, charge, size and/or other properties. This substitution occurs at a position that is conserved across species. In silico analysis is inconsistent in its predictions as to whether or not the variant is damaging to the protein structure/function. We interpret S821P as a variant of uncertain significance.